The following is an entry in ClinVar:

NM_004614.5(TK2):c.178G>T (p.Ala60Ser)

Gene: TK2 (thymidine kinase 2; minus strand). Cytogenetic location: 16q21.
Variant type: single nucleotide variant.
Coding change: c.178G>T on transcript NM_004614.5 (MANE Select); coding-DNA position 178, G replaced by T.
Protein change: p.Ala60Ser; replaces alanine 60 with serine.
Molecular consequence: missense variant. On other transcripts: 5 prime UTR variant (1), non-coding transcript variant (1), intron variant (1).
Genome position (GRCh38, 1-based): chr16:66,541,932, C>A on the plus strand (G>T on the coding strand, the complement: TK2 is on the minus strand). VCF-style: chr16-66541932-C-A. GRCh37 (hg19) VCF-style: chr16-66575835-C-A.
Other names: c.85G>T, p.Ala29Ser (NM_001172643.1, NM_001271935.1); c.178G>T, p.Ala60Ser (NM_001172645.2); c.31G>T, p.Ala11Ser (NM_001271934.2); c.-114G>T (NM_001272050.2); c.157-4915G>T (NM_001172644.2); short protein forms A29S, A11S, A60S.
Identifiers: ClinVar variation 2124329 (VCV002124329.1), dbSNP rs2507184273, ClinGen allele CA396192601.
Genomic context (GRCh38, chr16:66,541,932, plus strand): 5'-GCTGTACCTCGACGTCTGTCGCGTTGGAGAAGAATTCCAGGCATGTCGTCTTCCCACTTG[C>A]AATATTGCCCTCGACACAGATCTGGCAAAAGACGAATGCATATTAGAGCCAGAACTCAAG-3'
Protein context (NP_004605.4, residues 50-70): KSVICVEGNI[Ala60Ser]SGKTTCLEFF

ClinVar aggregate classification (germline): Uncertain significance (1 of 4 stars; one submission).

Submission:

Labcorp Genetics (formerly Invitae), Labcorp
Classification: Uncertain significance. Last evaluated: 2022-08-18. Review status: criteria provided, single submitter. Criteria: Invitae Variant Classification Sherloc (09022015). Collection method: clinical testing. Allele origin: germline.
Comment: This sequence change replaces alanine, which is neutral and non-polar, with serine, which is neutral and polar, at codon 60 of the TK2 protein (p.Ala60Ser). This variant is not present in population databases (gnomAD no frequency). This variant has not been reported in the literature in individuals affected with TK2-related conditions. Advanced modeling of protein sequence and biophysical properties (such as structural, functional, and spatial information, amino acid conservation, physicochemical variation, residue mobility, and thermodynamic stability) performed at Invitae indicates that this missense variant is expected to disrupt TK2 protein function. In summary, the available evidence is currently insufficient to determine the role of this variant in disease. Therefore, it has been classified as a Variant of Uncertain Significance.